The following is an entry in ClinVar:

NM_007194.4(CHEK2):c.322T>G (p.Cys108Gly)

Gene: CHEK2 (checkpoint kinase 2; minus strand). Cytogenetic location: 22q12.1.
Variant type: single nucleotide variant.
Coding change: c.322T>G on transcript NM_007194.4 (MANE Select); coding-DNA position 322, T replaced by G.
Protein change: p.Cys108Gly; replaces cysteine 108 with glycine.
Molecular consequence: missense variant. On other transcripts: 5 prime UTR variant (2).
Genome position (GRCh38, 1-based): chr22:28,725,365, A>C on the plus strand (T>G on the coding strand, the complement: CHEK2 is on the minus strand). VCF-style: chr22-28725365-A-C. GRCh37 (hg19) VCF-style: chr22-29121353-A-C.
Other names: c.451T>G, p.Cys151Gly (NM_001005735.3, NM_001438294.1); c.-456T>G (NM_001257387.3); c.322T>G, p.Cys108Gly (NM_001349956.3, NM_145862.3); c.-342T>G (NM_001437942.1); c.415T>G, p.Cys139Gly (NM_001438293.1, NM_001438295.1); short protein forms C108G, C139G, C151G.
Identifiers: ClinVar variation 4723696 (VCV004723696.1).

ClinVar aggregate classification (germline): Uncertain significance (1 of 4 stars; one submission).

Conditions:
Familial cancer of breast. Also called: hereditary breast carcinoma; BREAST CANCER, FAMILIAL; Hereditary breast cancer. Identifiers: Orphanet 227535, MedGen C0346153, MONDO:0016419, OMIM 114480. Disease mechanism: loss of function.

Submission:

Labcorp Genetics (formerly Invitae), Labcorp
Classification: Uncertain significance for Familial cancer of breast. Last evaluated: 2025-07-22. Review status: criteria provided, single submitter. Criteria: Invitae Variant Classification Sherloc (09022015). Collection method: clinical testing. Allele origin: germline.
Comment: This sequence change replaces cysteine, which is neutral and slightly polar, with glycine, which is neutral and non-polar, at codon 108 of the CHEK2 protein (p.Cys108Gly). This variant is not present in population databases (gnomAD no frequency). This variant has not been reported in the literature in individuals affected with CHEK2-related conditions. An algorithm developed to predict the effect of missense changes on protein structure and function (PolyPhen-2) suggests that this variant is likely to be disruptive. In summary, the available evidence is currently insufficient to determine the role of this variant in disease. Therefore, it has been classified as a Variant of Uncertain Significance.